The following is an entry in ClinVar:

ClinVar aggregate classification (germline): Uncertain significance. Review status: criteria provided, multiple submitters, no conflicts (2 of 4 stars). 3 submissions from 3 submitters: Uncertain significance (3). Last evaluated 2024-04-30.

Conditions:
Hereditary nonpolyposis colorectal neoplasms. Identifiers: MedGen C0009405, MeSH D003123.
Endometrial carcinoma. Also called: Endometrial carcinoma, somatic. Identifiers: MedGen C0476089, MONDO:0002447, OMIM 608089, HP:0012114.
Hereditary cancer-predisposing syndrome. Also called: Tumor predisposition; Hereditary neoplastic syndrome; Neoplastic Syndromes, Hereditary; Hereditary Cancer Syndrome. Identifiers: Orphanet 140162, MedGen C0027672, MeSH D009386, MONDO:0015356.

gnomAD v4.1: 1 of 1,612,180 alleles (0.000062%); highest among the groups gnomAD compares: Non-Finnish European, 0.000085%; no homozygotes.

Submissions (3):

Labcorp Genetics (formerly Invitae), Labcorp
Classification: Uncertain significance for Hereditary nonpolyposis colorectal neoplasms. Last evaluated: 2024-04-30. Review status: criteria provided, single submitter. Criteria: Invitae Variant Classification Sherloc (09022015). Collection method: clinical testing. Allele origin: germline.
Comment: This sequence change replaces serine, which is neutral and polar, with asparagine, which is neutral and polar, at codon 9 of the MSH6 protein (p.Ser9Asn). This variant is not present in population databases (gnomAD no frequency). This variant has not been reported in the literature in individuals affected with MSH6-related conditions. ClinVar contains an entry for this variant (Variation ID: 845501). Advanced modeling of protein sequence and biophysical properties (such as structural, functional, and spatial information, amino acid conservation, physicochemical variation, residue mobility, and thermodynamic stability) performed at Invitae indicates that this missense variant is not expected to disrupt MSH6 protein function with a negative predictive value of 95%. In summary, the available evidence is currently insufficient to determine the role of this variant in disease. Therefore, it has been classified as a Variant of Uncertain Significance.

Baylor Genetics
Classification: Uncertain significance for Endometrial carcinoma. Last evaluated: 2024-01-05. Review status: criteria provided, single submitter. Criteria: ACMG Guidelines, 2015. Collection method: clinical testing. Allele origin: unknown.

Ambry Genetics
Classification: Uncertain significance for Hereditary cancer-predisposing syndrome. Last evaluated: 2022-08-04. Review status: criteria provided, single submitter. Criteria: Ambry Variant Classification Scheme 2023. Collection method: clinical testing. Allele origin: germline.
Comment: The p.S9N variant (also known as c.26G>A), located in coding exon 1 of the MSH6 gene, results from a G to A substitution at nucleotide position 26. The serine at codon 9 is replaced by asparagine, an amino acid with highly similar properties. This amino acid position is well conserved in available vertebrate species. In addition, this alteration is predicted to be tolerated by in silico analysis. Since supporting evidence is limited at this time, the clinical significance of this alteration remains unclear.

NM_000179.3(MSH6):c.26G>A (p.Ser9Asn)

Gene: MSH6 (mutS homolog 6; plus strand). Cytogenetic location: 2p16.3.
Variant type: single nucleotide variant.
Coding change: c.26G>A on transcript NM_000179.3 (MANE Select); coding-DNA position 26, G replaced by A.
Protein change: p.Ser9Asn; replaces serine 9 with asparagine.
Molecular consequence: missense variant. On other transcripts: 5 prime UTR variant (1).
Genome position (GRCh38, 1-based): chr2:47,783,259, G>A. VCF-style: chr2-47783259-G-A. GRCh37 (hg19) VCF-style: chr2-48010398-G-A.
Other names: c.26G>A, p.Ser9Asn (NM_001281492.2); c.-711G>A (NM_001281493.2); short protein forms S9N.
Identifiers: ClinVar variation 845501 (VCV000845501.13), dbSNP rs1572697767, ClinGen allele CA346734506.